The following is an entry in ClinVar:

NM_015158.5(KANK1):c.565G>A (p.Gly189Ser)

Gene: KANK1 (KN motif and ankyrin repeat domains 1; plus strand). Cytogenetic location: 9p24.3.
Variant type: single nucleotide variant.
Coding change: c.565G>A on transcript NM_015158.5 (MANE Select); coding-DNA position 565, G replaced by A.
Protein change: p.Gly189Ser; replaces glycine 189 with serine.
Molecular consequence: missense variant. On other transcripts: non-coding transcript variant (1).
Genome position (GRCh38, 1-based): chr9:711,331, G>A. VCF-style: chr9-711331-G-A. GRCh37 (hg19) VCF-style: chr9-711331-G-A.
Other names: c.565G>A, p.Gly189Ser (NM_001256876.3, NM_001256877.3, NM_001354331.2 and 2 more transcripts); c.91G>A, p.Gly31Ser (NM_001354333.2, NM_001354335.2, NM_001354336.2 and 9 more transcripts); short protein forms G189S, G31S.
Identifiers: ClinVar variation 502291 (VCV000502291.41), dbSNP rs200751333, ClinGen allele CA4959974.

ClinVar aggregate classification (germline): Benign/Likely benign. Review status: criteria provided, multiple submitters, no conflicts (2 of 4 stars). 8 submissions from 8 submitters: Benign (1); Likely benign (4). 3 of the submissions do not count toward it. Last evaluated 2026-06-01.

Conditions:
KANK1-related disorder. Also called: KANK1-related condition.

Allele frequency attached by ClinVar (database versions not stated): ESP Exome Variant Server 0.00023; TOPMed 0.00029; gnomAD 0.00031 and 0.00044; gnomAD exomes 0.00071 and 0.00107; ExAC 0.00120; 1000 Genomes Project 30x 0.00141; 1000 Genomes Project 0.00160.
gnomAD v4.1: 1,109 of 1,614,118 alleles (0.069%); highest among the groups gnomAD compares: South Asian, 0.6%; 10 homozygotes.

Submissions (8):

CeGaT Center for Human Genetics Tuebingen
Classification: Benign. Last evaluated: 2026-06-01. Review status: criteria provided, single submitter. Criteria: CeGaT Center For Human Genetics Tuebingen Variant Classification Criteria Version 2. Collection method: clinical testing. Allele origin: germline. Affected: yes. Observed: 9 variant alleles.
Comment: KANK1: BS1, BS2

Labcorp Genetics (formerly Invitae), Labcorp
Classification: Likely benign. Last evaluated: 2026-02-01. Review status: criteria provided, single submitter. Criteria: Invitae Variant Classification Sherloc (09022015). Collection method: clinical testing. Allele origin: germline.

Blueprint Genetics
Classification: Likely benign. Last evaluated: 2024-11-25. Review status: criteria provided, single submitter. Criteria: ACMG Guidelines, 2015. Collection method: clinical testing. Allele origin: germline.

Eurofins Ntd Llc (ga)
Classification: Likely benign. Last evaluated: 2017-06-01. Review status: criteria provided, single submitter. Criteria: EGL Classification Definitions 2015. Collection method: clinical testing. Allele origin: germline. Observed: 1 variant allele, 1 heterozygote.

Breakthrough Genomics
Classification: Likely benign. Review status: criteria provided, single submitter. Criteria: ACMG Guidelines, 2015. Collection method: not provided. Allele origin: germline. Inheritance: Unknown mechanism. Affected: yes.

PreventionGenetics, part of Exact Sciences
Classification: Likely benign for KANK1-related condition. Last evaluated: 2021-06-16. Review status: no assertion criteria provided. Collection method: clinical testing. Allele origin: germline. Not counted in ClinVar's aggregate classification.
Comment: This variant is classified as likely benign based on ACMG/AMP sequence variant interpretation guidelines (Richards et al. 2015 PMID: 25741868, with internal and published modifications).

Genome Diagnostics Laboratory, University Medical Center Utrecht
Classification: Likely benign. Review status: no assertion criteria provided. Collection method: clinical testing. Allele origin: germline. Affected: yes. Study: VKGL Data-share Consensus. Not counted in ClinVar's aggregate classification.

Laboratory of Diagnostic Genome Analysis, Leiden University Medical Center (LUMC)
Classification: Likely benign. Review status: no assertion criteria provided. Collection method: clinical testing. Allele origin: germline. Affected: yes. Study: VKGL Data-share Consensus. Not counted in ClinVar's aggregate classification.